The following is an entry in ClinVar:

NM_144701.3(IL23R):c.1844A>G (p.Asn615Ser)

Gene: IL23R (interleukin 23 receptor; plus strand). Cytogenetic location: 1p31.3.
Variant type: single nucleotide variant.
Coding change: c.1844A>G on transcript NM_144701.3 (MANE Select); coding-DNA position 1844, A replaced by G.
Protein change: p.Asn615Ser; replaces asparagine 615 with serine.
Molecular consequence: missense variant.
Genome position (GRCh38, 1-based): chr1:67,259,082, A>G. VCF-style: chr1-67259082-A-G. GRCh37 (hg19) VCF-style: chr1-67724765-A-G.
Other names: short protein forms N615S.
Identifiers: ClinVar variation 4703472 (VCV004703472.1).

ClinVar aggregate classification (germline): Uncertain significance (1 of 4 stars; one submission).

gnomAD v4.1: 2 of 1,613,954 alleles (0.00012%); highest among the groups gnomAD compares: Non-Finnish European, 0.00017%; no homozygotes.

Submission:

Labcorp Genetics (formerly Invitae), Labcorp
Classification: Uncertain significance. Last evaluated: 2025-06-23. Review status: criteria provided, single submitter. Criteria: Invitae Variant Classification Sherloc (09022015). Collection method: clinical testing. Allele origin: germline.
Comment: This sequence change replaces asparagine, which is neutral and polar, with serine, which is neutral and polar, at codon 615 of the IL23R protein (p.Asn615Ser). This variant is not present in population databases (gnomAD no frequency). This variant has not been reported in the literature in individuals affected with IL23R-related conditions. An algorithm developed to predict the effect of missense changes on protein structure and function outputs the following: PolyPhen-2: "Benign". The serine amino acid residue is found in multiple mammalian species, which suggests that this missense change does not adversely affect protein function. In summary, the available evidence is currently insufficient to determine the role of this variant in disease. Therefore, it has been classified as a Variant of Uncertain Significance.